The following is an entry in ClinVar:

ClinVar aggregate classification (germline): Uncertain significance (1 of 4 stars; one submission).

Submission:

Labcorp Genetics (formerly Invitae), Labcorp
Classification: Uncertain significance. Last evaluated: 2023-07-07. Review status: criteria provided, single submitter. Criteria: Invitae Variant Classification Sherloc (09022015). Collection method: clinical testing. Allele origin: germline.
Comment: In summary, the available evidence is currently insufficient to determine the role of this variant in disease. Therefore, it has been classified as a Variant of Uncertain Significance. Algorithms developed to predict the effect of missense changes on protein structure and function output the following: SIFT: "Not Available"; PolyPhen-2: "Benign"; Align-GVGD: "Not Available". The lysine amino acid residue is found in multiple mammalian species, which suggests that this missense change does not adversely affect protein function. This variant has not been reported in the literature in individuals affected with EYS-related conditions. ClinVar contains an entry for this variant (Variation ID: 1996552). This variant is not present in population databases (gnomAD no frequency). This sequence change replaces asparagine, which is neutral and polar, with lysine, which is basic and polar, at codon 2316 of the EYS protein (p.Asn2316Lys).

NM_001142800.2(EYS):c.6948C>G (p.Asn2316Lys)

Gene: EYS (EGF-like photoreceptor maintenance factor; minus strand). Cytogenetic location: 6q12.
Variant type: single nucleotide variant.
Coding change: c.6948C>G on transcript NM_001142800.2 (MANE Select); coding-DNA position 6948, C replaced by G.
Protein change: p.Asn2316Lys; replaces asparagine 2316 with lysine.
Molecular consequence: missense variant.
Genome position (GRCh38, 1-based): chr6:63,984,490, G>C on the plus strand (C>G on the coding strand, the complement: EYS is on the minus strand). VCF-style: chr6-63984490-G-C. GRCh37 (hg19) VCF-style: chr6-64694383-G-C.
Other names: c.6948C>G, p.Asn2316Lys (NM_001292009.2); short protein forms N2316K.
Identifiers: ClinVar variation 1996552 (VCV001996552.4), dbSNP rs1767261601, ClinGen allele CA364388653.